The following is an entry in ClinVar:

ClinVar aggregate classification (germline): Uncertain significance (1 of 4 stars; one submission).

Conditions:
Exostoses, multiple, type 2 (EXT2). Also called: Hereditary Multiple Osteochondromatosis, Type II; EXOSTOSES, MULTIPLE, TYPE II. Identifiers: Orphanet 321, MedGen C1851413, MONDO:0007586, OMIM 133701.

Allele frequency attached by ClinVar (database versions not stated): TOPMed below 0.00001; gnomAD 0.00001.
gnomAD v4.1: 1 of 1,614,006 alleles (0.000062%); highest among the groups gnomAD compares: Admixed American, 0.0017%; no homozygotes.

Submission:

Labcorp Genetics (formerly Invitae), Labcorp
Classification: Uncertain significance for Exostoses, multiple, type 2. Last evaluated: 2021-04-13. Review status: criteria provided, single submitter. Criteria: Invitae Variant Classification Sherloc (09022015). Collection method: clinical testing. Allele origin: germline.
Comment: This variant has not been reported in the literature in individuals with EXT2-related conditions. This variant is not present in population databases (ExAC no frequency). This sequence change replaces glutamine with glutamic acid at codon 452 of the EXT2 protein (p.Gln452Glu). The glutamine residue is moderately conserved and there is a small physicochemical difference between glutamine and glutamic acid. Algorithms developed to predict the effect of missense changes on protein structure and function (SIFT, PolyPhen-2, Align-GVGD) all suggest that this variant is likely to be tolerated, but these predictions have not been confirmed by published functional studies and their clinical significance is uncertain. In summary, the available evidence is currently insufficient to determine the role of this variant in disease. Therefore, it has been classified as a Variant of Uncertain Significance. Algorithms developed to predict the effect of sequence changes on RNA splicing suggest that this variant may create or strengthen a splice site, but this prediction has not been confirmed by published transcriptional studies.

NM_207122.2(EXT2):c.1354C>G (p.Gln452Glu)

Genes: EXT2 (exostosin glycosyltransferase 2; plus strand), LOC126861201 (MED14-independent group 3 enhancer GRCh37_chr11:44218806-44220005; plus strand). Cytogenetic location: 11p11.2.
Variant type: single nucleotide variant.
Coding change: c.1354C>G on transcript NM_207122.2 (MANE Select); coding-DNA position 1354, C replaced by G.
Protein change: p.Gln452Glu; replaces glutamine 452 with glutamic acid.
Molecular consequence: missense variant.
Genome position (GRCh38, 1-based): chr11:44,197,877, C>G. VCF-style: chr11-44197877-C-G. GRCh37 (hg19) VCF-style: chr11-44219427-C-G.
Other names: c.1453C>G, p.Gln485Glu (NM_000401.3); c.1384C>G, p.Gln462Glu (NM_001178083.3); c.1354C>G, p.Gln452Glu (NM_001389628.1, NM_001389630.1); short protein forms Q462E, Q452E, Q485E.
Identifiers: ClinVar variation 1366916 (VCV001366916.8), dbSNP rs1955475218, ClinGen allele CA380179019.
Genomic context (GRCh38, chr11:44,197,877, plus strand): 5'-GTCCTCTTGTAGAAGTGGGGCAGCGTGAGCAATCCACTCTTCCTCCCGCTGATCCCACCA[C>G]AGTCTCAAGGGTTCACCGCCATAGTCCTCACCTACGACCGAGTAGAGAGCCTCTTCCGGG-3'
Protein context (NP_997005.1, residues 442-462): NPLFLPLIPP[Gln452Glu]SQGFTAIVLT